The following is an entry in ClinVar:

ClinVar aggregate classification (germline): Likely pathogenic (1 of 4 stars; one submission).

gnomAD v4.1: 9 of 1,604,474 alleles (0.00056%); highest among the groups gnomAD compares: Non-Finnish European, 0.00077%; no homozygotes.

Submission:

Labcorp Genetics (formerly Invitae), Labcorp
Classification: Likely pathogenic. Last evaluated: 2024-02-29. Review status: criteria provided, single submitter. Criteria: Invitae Variant Classification Sherloc (09022015). Collection method: clinical testing. Allele origin: germline.
Comment: This sequence change affects a donor splice site in intron 95 of the COL7A1 gene. It is expected to disrupt RNA splicing. Variants that disrupt the donor or acceptor splice site typically lead to a loss of protein function (PMID: 16199547), and loss-of-function variants in COL7A1 are known to be pathogenic (PMID: 16971478). The frequency data for this variant in the population databases is considered unreliable, as metrics indicate poor data quality at this position in the gnomAD database. This variant has not been reported in the literature in individuals affected with COL7A1-related conditions. ClinVar contains an entry for this variant (Variation ID: 851812). Algorithms developed to predict the effect of sequence changes on RNA splicing suggest that this variant may disrupt the consensus splice site. In summary, the currently available evidence indicates that the variant is pathogenic, but additional data are needed to prove that conclusively. Therefore, this variant has been classified as Likely Pathogenic.

Literature cited by the submitters: PubMed 16199547; PubMed 16971478.

NM_000094.4(COL7A1):c.7344+1G>C

Gene: COL7A1 (collagen type VII alpha 1 chain; minus strand). Cytogenetic location: 3p21.31.
Variant type: single nucleotide variant.
Coding change: c.7344+1G>C on transcript NM_000094.4 (MANE Select); the canonical splice donor site of the intron after coding-DNA position 7344, G replaced by C.
Molecular consequence: splice donor variant.
Genome position (GRCh38, 1-based): chr3:48,570,638, C>G on the plus strand (G>C on the coding strand, the complement: COL7A1 is on the minus strand). VCF-style: chr3-48570638-C-G. GRCh37 (hg19) VCF-style: chr3-48608071-C-G.
Identifiers: ClinVar variation 851812 (VCV000851812.9), dbSNP rs754469339, ClinGen allele CA352647436.